The following is an entry in ClinVar:

NM_001267550.2(TTN):c.94285T>A (p.Trp31429Arg)

Genes: TTN-AS1 (TTN antisense RNA 1; plus strand), TTN (titin; minus strand). Cytogenetic location: 2q31.2.
Variant type: single nucleotide variant.
Coding change: c.94285T>A on transcript NM_001267550.2 (MANE Select); coding-DNA position 94285, T replaced by A.
Protein change: p.Trp31429Arg; replaces tryptophan 31429 with arginine.
Molecular consequence: missense variant.
Genome position (GRCh38, 1-based): chr2:178,547,240, A>T on the plus strand (T>A on the coding strand, the complement: TTN is on the minus strand). VCF-style: chr2-178547240-A-T. GRCh37 (hg19) VCF-style: chr2-179411967-A-T.
Other names: c.89362T>A, p.Trp29788Arg (NM_001256850.1); c.67090T>A, p.Trp22364Arg (NM_003319.4); c.86581T>A, p.Trp28861Arg (NM_133378.4); c.67465T>A, p.Trp22489Arg (NM_133432.3); c.67666T>A, p.Trp22556Arg (NM_133437.4); short protein forms W22364R, W22489R, W22556R, W28861R, W29788R, W31429R.
Identifiers: ClinVar variation 3759066 (VCV003759066.2).

ClinVar aggregate classification (germline): Uncertain significance (1 of 4 stars; one submission).

Conditions:
Dilated cardiomyopathy 1G (CMD1G). Identifiers: Orphanet 154, MedGen C1858763, MONDO:0011400, OMIM 604145.
Autosomal recessive limb-girdle muscular dystrophy type 2J (LGMDR10). Also called: Limb-girdle muscular dystrophy, type 2J; MUSCULAR DYSTROPHY, LIMB-GIRDLE, AUTOSOMAL RECESSIVE 10. Identifiers: Orphanet 140922, MedGen C1837342, MONDO:0012127, OMIM 608807.

gnomAD v4.1: 1 of 1,613,834 alleles (0.000062%); highest among the groups gnomAD compares: Admixed American, 0.0017%; no homozygotes.

Submission:

Labcorp Genetics (formerly Invitae), Labcorp
Classification: Uncertain significance for Dilated cardiomyopathy 1G; Autosomal recessive limb-girdle muscular dystrophy type 2J. Last evaluated: 2024-04-25. Review status: criteria provided, single submitter. Criteria: Invitae Variant Classification Sherloc (09022015). Collection method: clinical testing. Allele origin: germline.
Comment: This sequence change replaces tryptophan, which is neutral and slightly polar, with arginine, which is basic and polar, at codon 31429 of the TTN protein (p.Trp31429Arg). This variant is not present in population databases (gnomAD no frequency). This missense change has been observed in individual(s) with autosomal recessive TTN-related conditions (PMID: 27796757, 34247971). In at least one individual the data is consistent with being in trans (on the opposite chromosome) from a pathogenic variant. This variant is also known as c.86581T>A (p.Trp28861Arg) . Experimental studies and prediction algorithms are not available or were not evaluated, and the functional significance of this variant is currently unknown. This variant is located in the A band of TTN (PMID: 25589632). Variants in this region may be relevant for cardiac or neuromuscular disorders (PMID: 25589632, 23975875). In summary, the available evidence is currently insufficient to determine the role of this variant in disease. Therefore, it has been classified as a Variant of Uncertain Significance.

Literature cited by the submitters: PubMed 27796757; PubMed 34247971; PubMed 25589632; PubMed 23975875.